The following is an entry in ClinVar:

GRCh38/hg38 19p13.11(chr19:17922234-18463153)x1

Genes: ARRDC2 (arrestin domain containing 2; plus strand), CCDC124 (coiled-coil domain containing 124; plus strand), CIST1 (colon, intestine and stomach enriched 1; minus strand), ELL (elongation factor for RNA polymerase II; minus strand), GDF15 (growth differentiation factor 15; plus strand) and 82 more. Cytogenetic location: 19p13.11.
Variant type: copy number loss.
Change: copy number 1 (one copy instead of two) of chr19:17,922,234-18,463,153 (540.9 kb, GRCh38 coordinates, 1-based), cytogenetic band 19p13.11.
Identifiers: ClinVar variation 60074 (VCV000060074.1).

ClinVar aggregate classification (germline): Pathogenic (1 of 4 stars; one submission).

Submission:

ISCA site 17
Classification: Pathogenic. Last evaluated: 2011-08-12. Review status: criteria provided, single submitter. Criteria: Kaminsky et al. (Genet Med. 2011). Collection method: clinical testing. Allele origin: unknown. Affected: yes. Observed: 1 variant allele.
Comment: Copy number variation identified through the course of routine clinical cytogenomic testing in postnatal populations. Clinical assertions have been curated as described in Kaminsky et al. 2011.